The following is an entry in ClinVar:

NM_007294.4(BRCA1):c.3637_3644del (p.Glu1213fs)

Genes: BRCA1 (BRCA1 DNA repair associated; minus strand), LOC126862571 (BRD4-independent group 4 enhancer GRCh37_chr17:41243136-41244335; plus strand). Cytogenetic location: 17q21.31.
Variant type: Deletion.
Coding change: c.3637_3644del on transcript NM_007294.4 (MANE Select); coding-DNA positions 3637 to 3644, 8 bases deleted (GAAGAGAA; older notation c.3637_3644delGAAGAGAA).
Protein change: p.Glu1213fs; shifts the reading frame from glutamic acid 1213.
Molecular consequence: frameshift variant. On other transcripts: intron variant (135).
Genome position (GRCh38, 1-based): chr17:43,091,887-43,091,894, TTCTCTTC deleted on the plus strand (GAAGAGAA on the coding strand, the reverse complement: BRCA1 is on the minus strand); deleting any 8 consecutive bases within chr17:43,091,887-43,091,895 gives the same sequence; the c. name uses the placement nearest the transcript's 3' end. VCF-style (leftmost placement, unchanged base first): chr17-43091886-GTTCTCTTC-G. GRCh37 (hg19) VCF-style: chr17-41243903-GTTCTCTTC-G.
Other names: c.3256_3263del, p.Glu1086fs (NM_001407959.1, NM_001407960.1, NM_001407963.1); c.3253_3260del, p.Glu1085fs (NM_001407962.1); c.3493_3500del, p.Glu1165fs (NM_001407964.1, NM_001407740.1, NM_001407741.1 and 20 more transcripts); c.3133_3140del, p.Glu1045fs (NM_001407965.1); c.2749_2756del, p.Glu917fs (NM_001407966.1, NM_001407967.1); c.1033_1040del, p.Glu345fs (NM_001407968.1, NM_001407969.1); c.3304_3311del, p.Glu1102fs (NM_001407953.1, NM_001407957.1, NM_001407946.1 and 6 more transcripts); c.3301_3308del, p.Glu1101fs (NM_001407954.1, NM_001407955.1, NM_001407956.1 and 1 more transcripts); and 41 more; short protein forms E1045fs, E1085fs, E1086fs, E1101fs, E1102fs, E1124fs, E1125fs, E1142fs.
Identifiers: ClinVar variation 4813033 (VCV004813033.1).

ClinVar aggregate classification (germline): Pathogenic (1 of 4 stars; one submission).

Conditions:
Breast-ovarian cancer, familial, susceptibility to, 1 (BROVCA1). Also called: OVARIAN CANCER, SUSCEPTIBILITY TO; BRCA1 Hereditary Breast and Ovarian Cancer. Identifiers: Orphanet 145, MedGen C2676676, MONDO:0011450, OMIM 604370. Disease mechanism: loss of function.

Submission:

Myriad Genetics, Inc.
Classification: Pathogenic for Breast-ovarian cancer, familial, susceptibility to, 1. Last evaluated: 2025-12-30. Review status: criteria provided, single submitter. Criteria: Myriad Autosomal Dominant, Autosomal Recessive and X-Linked Classification Criteria (2023). Collection method: clinical testing. Allele origin: unknown.
Comment: This variant is considered pathogenic. This variant creates a frameshift predicted to result in premature protein truncation.